The following is an entry in ClinVar:

ClinVar aggregate classification (germline): Pathogenic (1 of 4 stars; one submission).

Conditions:
Baller-Gerold syndrome (BGS). Also called: CRANIOSYNOSTOSIS WITH RADIAL DEFECTS. Identifiers: Orphanet 1225, MedGen C0265308, MONDO:0009039, OMIM 218600.

Submission:

Labcorp Genetics (formerly Invitae), Labcorp
Classification: Pathogenic for Baller-Gerold syndrome. Last evaluated: 2020-01-10. Review status: criteria provided, single submitter. Criteria: Invitae Variant Classification Sherloc (09022015). Collection method: clinical testing. Allele origin: germline.
Comment: For these reasons, this variant has been classified as Pathogenic. Loss-of-function variants in RECQL4 are known to be pathogenic (PMID: 12734318, 12952869). This variant has not been reported in the literature in individuals with RECQL4-related conditions. This variant is a gross deletion of the genomic region encompassing exons 1-13 of the RECQL4 gene, which includes the initiator codon. The 5' end of this event is unknown as it extends beyond the assayed region for this gene and therefore may encompass additional genes. The 3' boundary is likely confined to intron 13 of the RECQL4 gene. This is expected to result in an absent or disrupted protein product.

Literature cited by the submitters: PubMed 12734318; PubMed 12952869.

NC_000008.10:g.(?_145738945)_(145743168_?)del

Gene: RECQL4 (RecQ like helicase 4; minus strand). Cytogenetic location: 8q24.3.
Variant type: Deletion.
Identifiers: ClinVar variation 1070864 (VCV001070864.5).